The following is an entry in ClinVar:

NM_001042492.3(NF1):c.2722_2725del (p.Lys908fs)

Gene: NF1 (neurofibromin 1; plus strand). Cytogenetic location: 17q11.2.
Variant type: Deletion.
Coding change: c.2722_2725del on transcript NM_001042492.3 (MANE Select); coding-DNA positions 2722 to 2725, 4 bases deleted (AAAG; older notation c.2722_2725delAAAG).
Protein change: p.Lys908fs; shifts the reading frame from lysine 908.
Molecular consequence: frameshift variant.
Genome position (GRCh38, 1-based): chr17:31,229,337-31,229,340, AAAG deleted; deleting any 4 consecutive bases within chr17:31,229,335-31,229,340 gives the same sequence; the c. name uses the placement nearest the transcript's 3' end. VCF-style (leftmost placement, unchanged base first): chr17-31229334-GAGAA-G. GRCh37 (hg19) VCF-style: chr17-29556352-GAGAA-G.
Other names: c.2722_2725del, p.Lys908fs (NM_000267.4); short protein forms K908fs.
Identifiers: ClinVar variation 4715872 (VCV004715872.1).

ClinVar aggregate classification (germline): Pathogenic (1 of 4 stars; one submission).

Conditions:
Neurofibromatosis, type 1 (NF1). Also called: NEUROFIBROMATOSIS, TYPE I, SOMATIC; VON RECKLINGHAUSEN DISEASE; Peripheral type neurofibromatosis; Neurofibromatosis, type I. Identifiers: Orphanet 636, MedGen C0027831, MONDO:0018975, OMIM 162200. Disease mechanism: loss of function.

Submission:

Labcorp Genetics (formerly Invitae), Labcorp
Classification: Pathogenic for Neurofibromatosis, type 1. Last evaluated: 2025-03-25. Review status: criteria provided, single submitter. Criteria: Invitae Variant Classification Sherloc (09022015). Collection method: clinical testing. Allele origin: germline.
Comment: This sequence change creates a premature translational stop signal (p.Lys908Trpfs*15) in the NF1 gene. It is expected to result in an absent or disrupted protein product. Loss-of-function variants in NF1 are known to be pathogenic (PMID: 10712197, 23913538). This variant is not present in population databases (gnomAD no frequency). This variant has not been reported in the literature in individuals affected with NF1-related conditions. For these reasons, this variant has been classified as Pathogenic.

Literature cited by the submitters: PubMed 10712197; PubMed 23913538.